The following is an entry in ClinVar:

NM_001267550.2(TTN):c.88733G>A (p.Arg29578His)

Genes: TTN-AS1 (TTN antisense RNA 1; plus strand), TTN (titin; minus strand). Cytogenetic location: 2q31.2.
Variant type: single nucleotide variant.
Coding change: c.88733G>A on transcript NM_001267550.2 (MANE Select); coding-DNA position 88733, G replaced by A.
Protein change: p.Arg29578His; replaces arginine 29578 with histidine.
Molecular consequence: missense variant.
Genome position (GRCh38, 1-based): chr2:178,554,614, C>T on the plus strand (G>A on the coding strand, the complement: TTN is on the minus strand). VCF-style: chr2-178554614-C-T. GRCh37 (hg19) VCF-style: chr2-179419341-C-T.
Other names: p.R27937H:CGC>CAC; c.83810G>A, p.Arg27937His (NM_001256850.1); c.61538G>A, p.Arg20513His (NM_003319.4); c.81029G>A, p.Arg27010His (NM_133378.4); c.61913G>A, p.Arg20638His (NM_133432.3); c.62114G>A, p.Arg20705His (NM_133437.4); short protein forms R27010H, R29578H, R27937H, R20705H, R20513H, R20638H.
Identifiers: ClinVar variation 192146 (VCV000192146.26), dbSNP rs374147064, ClinGen allele CA302606.
Genomic context (GRCh38, chr2:178,554,614, plus strand): 5'-ATTTTGGTGGTTGTAATGATGCACTCTTCCAAATGTTCAGACACCATAGACCACACAACG[C>T]GGCTTGTCTCACGCTTTTCCACAATGTAGTGAGTGATTTTTGCACCACCATCATCAGCTG-3'
Protein context (NP_001254479.2, residues 29568-29588): HYIVEKRETS[Arg29578His]VVWSMVSEHL

ClinVar aggregate classification (germline): Conflicting classifications of pathogenicity. Review status: criteria provided, conflicting classifications (1 of 4 stars). 11 submissions from 11 submitters: Uncertain significance (2); Likely benign (7). 2 of the submissions do not count toward it. Last evaluated 2026-07-02.

Conditions:
TTN-related disorder. Also called: TTN-related condition; TTN-related disease; TTN-related disorders.
Dilated cardiomyopathy 1G (CMD1G). Identifiers: Orphanet 154, MedGen C1858763, MONDO:0011400, OMIM 604145.
Autosomal recessive limb-girdle muscular dystrophy type 2J (LGMDR10). Also called: Limb-girdle muscular dystrophy, type 2J; MUSCULAR DYSTROPHY, LIMB-GIRDLE, AUTOSOMAL RECESSIVE 10. Identifiers: Orphanet 140922, MedGen C1837342, MONDO:0012127, OMIM 608807.
Cardiovascular phenotype. Identifiers: MedGen CN230736.
Primary dilated cardiomyopathy (DCM). Also called: Dilated Cardiomyopathy. Identifiers: Orphanet 217604, MedGen C0007193, MeSH D002311, MONDO:0005021, HP:0001644. Inheritance: Various modes of inheritance.

Allele frequency attached by ClinVar (database versions not stated): gnomAD exomes 0.00004 and 0.00011; ExAC 0.00014; gnomAD 0.00030; TOPMed 0.00031; ESP Exome Variant Server 0.00040; 1000 Genomes Project 0.00140; 1000 Genomes Project 30x 0.00141.
gnomAD v4.1: 109 of 1,613,870 alleles (0.0068%); highest among the groups gnomAD compares: African/African-American, 0.091%; no homozygotes.

Submissions (11):

PreventionGenetics, part of Exact Sciences
Classification: Uncertain significance for TTN-related condition. Last evaluated: 2026-07-02. Review status: criteria provided, single submitter. Criteria: ACMG Guidelines, 2015. Collection method: clinical testing. Allele origin: germline.
Comment: The TTN c.88733G>A variant is predicted to result in the amino acid substitution p.Arg29578His. This variant, also known as c.81029G>A (p.Arg27010His) in an alternate transcript (NM_133378.4), has been reported with uncertain significance in an individual from a pediatric dilated cardiomyopathy cohort (Supplemental Table II, van der Meulen et al. 2022. PubMed ID: 36178741). This variant is reported in 0.11% of alleles in individuals of African descent in gnomAD. Although we suspect that this variant may be benign, at this time, the clinical significance of this variant is uncertain due to the absence of conclusive functional and genetic evidence.

Molecular Diagnostic Laboratory for Inherited Cardiovascular Disease, Montreal Heart Institute
Classification: Likely benign. Last evaluated: 2026-03-27. Review status: criteria provided, single submitter. Criteria: ACMG Guidelines, 2015. Collection method: clinical testing. Allele origin: germline. Affected: no.

Labcorp Genetics (formerly Invitae), Labcorp
Classification: Likely benign for Dilated cardiomyopathy 1G; Autosomal recessive limb-girdle muscular dystrophy type 2J. Last evaluated: 2026-01-26. Review status: criteria provided, single submitter. Criteria: Invitae Variant Classification Sherloc (09022015). Collection method: clinical testing. Allele origin: germline.

Revvity Omics, Revvity
Classification: Uncertain significance. Last evaluated: 2022-11-08. Review status: criteria provided, single submitter. Criteria: ACMG Guidelines, 2015. Collection method: clinical testing. Allele origin: germline.

GeneDx
Classification: Likely benign. Last evaluated: 2021-04-26. Review status: criteria provided, single submitter. Criteria: GeneDx Variant Classification Process June 2021. Collection method: clinical testing. Allele origin: germline. Affected: yes.

Ambry Genetics
Classification: Likely benign for Cardiovascular phenotype. Last evaluated: 2020-05-18. Review status: criteria provided, single submitter. Criteria: Ambry Variant Classification Scheme 2023. Collection method: clinical testing. Allele origin: germline.

Biesecker Lab/Clinical Genomics Section, National Institutes of Health
Classification: Likely benign. Last evaluated: 2013-06-24. Review status: criteria provided, single submitter. Criteria: Ng et al. (Circ Cardiovasc Genet. 2013). Collection method: research. Allele origin: unknown. Observed: 1 variant allele. Study: ClinSeq.
Comment: The study set was not selected for affection status in relation to any cancer. Pathogenicity categories were based on literature curation. See Pubmed ID:23861362 for details.

Medical sequencing

Breakthrough Genomics
Classification: Likely benign. Review status: criteria provided, single submitter. Criteria: ACMG Guidelines, 2015. Collection method: not provided. Allele origin: germline. Inheritance: Autosomal recessive inheritance. Affected: yes.

Genetics and Genomics Program, Sidra Medicine
Classification: Likely benign for Primary dilated cardiomyopathy. Review status: criteria provided, single submitter. Criteria: ACMG Guidelines, 2015. Collection method: research. Allele origin: unknown. Affected: yes. Observed: 1 variant allele.

Clinical Genetics DNA and cytogenetics Diagnostics Lab, Erasmus MC, Erasmus Medical Center
Classification: Uncertain significance. Review status: no assertion criteria provided. Collection method: clinical testing. Allele origin: germline. Affected: yes. Study: VKGL Data-share Consensus. Not counted in ClinVar's aggregate classification.

Clinical Genetics, Academic Medical Center
Classification: Uncertain significance. Review status: no assertion criteria provided. Collection method: clinical testing. Allele origin: germline. Affected: yes. Study: VKGL Data-share Consensus. Not counted in ClinVar's aggregate classification.